The following is an entry in ClinVar:

ClinVar aggregate classification (germline): Uncertain significance (1 of 4 stars; one submission).

Conditions:
Fanconi anemia (FA). Also called: Fanconi's anemia. Identifiers: Orphanet 84, MedGen C0015625, MeSH D005199, MONDO:0019391.

gnomAD v4.1: 9 of 1,208,876 alleles (0.00074%); highest among the groups gnomAD compares: South Asian, 0.0018%; no homozygotes.

Submission:

Labcorp Genetics (formerly Invitae), Labcorp
Classification: Uncertain significance for Fanconi anemia. Last evaluated: 2025-05-12. Review status: criteria provided, single submitter. Criteria: Invitae Variant Classification Sherloc (09022015). Collection method: clinical testing. Allele origin: germline.
Comment: This sequence change replaces methionine, which is neutral and non-polar, with valine, which is neutral and non-polar, at codon 672 of the FANCB protein (p.Met672Val). This variant is not present in population databases (gnomAD no frequency). This variant has not been reported in the literature in individuals affected with FANCB-related conditions. ClinVar contains an entry for this variant (Variation ID: 3713210). Invitae Evidence Modeling of protein sequence and biophysical properties (such as structural, functional, and spatial information, amino acid conservation, physicochemical variation, residue mobility, and thermodynamic stability) indicates that this missense variant is not expected to disrupt FANCB protein function with a negative predictive value of 80%. In summary, the available evidence is currently insufficient to determine the role of this variant in disease. Therefore, it has been classified as a Variant of Uncertain Significance.

NM_001018113.3(FANCB):c.2014A>G (p.Met672Val)

Gene: FANCB (FA complementation group B; minus strand). Cytogenetic location: Xp22.2.
Variant type: single nucleotide variant.
Coding change: c.2014A>G on transcript NM_001018113.3 (MANE Select); coding-DNA position 2014, A replaced by G.
Protein change: p.Met672Val; replaces methionine 672 with valine.
Molecular consequence: missense variant.
Genome position (GRCh38, 1-based): chrX:14,844,654, T>C on the plus strand (A>G on the coding strand, the complement: FANCB is on the minus strand). VCF-style: chrX-14844654-T-C. GRCh37 (hg19) VCF-style: chrX-14862776-T-C.
Other names: c.2014A>G, p.Met672Val (NM_001324162.2, NM_001410764.1, NM_152633.4); short protein forms M672V.
Identifiers: ClinVar variation 3713210 (VCV003713210.2).
Genomic context (GRCh38, chrX:14,844,654, plus strand): 5'-ACACTTCTGGAAATTCTTTGATTATTTCACATTTCATATGTTCTAAGAGCCACACCTTCA[T>C]TGAATTCAGGGCATAGCCGGGTGATGTGATTTGAAAACAAGATTTATGGAATGCTGCAAG-3'
Protein context (NP_001018123.1, residues 662-682): ITSPGYALNS[Met672Val]KVWLLEHMKC